The following is an entry in ClinVar:

NM_001374353.1(GLI2):c.3331C>T (p.Gln1111Ter)

Gene: GLI2 (GLI family zinc finger 2; plus strand). Cytogenetic location: 2q14.2.
Variant type: single nucleotide variant.
Coding change: c.3331C>T on transcript NM_001374353.1 (MANE Select); coding-DNA position 3331, C replaced by T.
Protein change: p.Gln1111Ter; replaces glutamine 1111 with a stop codon.
Molecular consequence: nonsense.
Genome position (GRCh38, 1-based): chr2:120,989,296, C>T. VCF-style: chr2-120989296-C-T. GRCh37 (hg19) VCF-style: chr2-121746872-C-T.
Other names: c.3382C>T, p.Gln1128Ter (NM_001371271.1, NM_005270.5); c.2956C>T, p.Gln986Ter (NM_001374354.1); short protein forms Q1111*, Q1128*, Q986*.
Identifiers: ClinVar variation 3340210 (VCV003340210.1).

ClinVar aggregate classification (germline): Likely pathogenic (1 of 4 stars; one submission).

Submission:

GeneDx
Classification: Likely pathogenic. Last evaluated: 2023-06-07. Review status: criteria provided, single submitter. Criteria: GeneDx Variant Classification Process June 2021. Collection method: clinical testing. Allele origin: germline. Affected: yes.
Comment: Nonsense variant predicted to result in protein truncation, as the last 459 amino acids are lost, and other loss-of-function variants have been reported downstream in HGMD; Not observed at significant frequency in large population cohorts (gnomAD); This variant is associated with the following publications: (PMID: 24744436)